The following is an entry in ClinVar:

ClinVar aggregate classification (germline): Benign (1 of 4 stars; one submission).

Allele frequency attached by ClinVar (database versions not stated): 1000 Genomes Project 30x 0.84291; 1000 Genomes Project 0.84744; TOPMed 0.85374; gnomAD 0.85950 and 0.86404.

Submission:

GeneDx
Classification: Benign. Last evaluated: 2018-06-19. Review status: criteria provided, single submitter. Criteria: GeneDx Variant Classification (06012015). Collection method: clinical testing. Allele origin: germline. Affected: yes.
Comment: This variant is considered likely benign or benign based on one or more of the following criteria: it is a conservative change, it occurs at a poorly conserved position in the protein, it is predicted to be benign by multiple in silico algorithms, and/or has population frequency not consistent with disease.

NM_000027.4(AGA):c.807-179T>A

Gene: AGA (aspartylglucosaminidase; minus strand). Cytogenetic location: 4q34.3.
Variant type: single nucleotide variant.
Coding change: c.807-179T>A on transcript NM_000027.4 (MANE Select); 179 bases into the intron before coding-DNA position 807, T replaced by A.
Molecular consequence: intron variant.
Genome position (GRCh38, 1-based): chr4:177,433,526, A>T on the plus strand (T>A on the coding strand, the complement: AGA is on the minus strand). VCF-style: chr4-177433526-A-T. GRCh37 (hg19) VCF-style: chr4-178354680-A-T.
Other names: c.777-179T>A (NM_001171988.2).
Identifiers: ClinVar variation 683252 (VCV000683252.1), dbSNP rs10031429, ClinGen allele CA110787035.